The following is an entry in ClinVar:

NM_002294.3(LAMP2):c.928G>T (p.Val310Phe)

Gene: LAMP2 (lysosome associated membrane protein 2; minus strand). Cytogenetic location: Xq24.
Variant type: single nucleotide variant.
Coding change: c.928G>T on transcript NM_002294.3 (MANE Select); coding-DNA position 928, G replaced by T.
Protein change: p.Val310Phe; replaces valine 310 with phenylalanine.
Molecular consequence: missense variant.
Genome position (GRCh38, 1-based): chrX:120,442,599, C>A on the plus strand (G>T on the coding strand, the complement: LAMP2 is on the minus strand). VCF-style: chrX-120442599-C-A. GRCh37 (hg19) VCF-style: chrX-119576454-C-A.
Other names: c.928G>T, p.Val310Phe (NM_001122606.1, NM_013995.2); short protein forms V310F.
Identifiers: ClinVar variation 835011 (VCV000835011.12), dbSNP rs104894858, ClinGen allele CA414400262.

ClinVar aggregate classification (germline): Pathogenic (1 of 4 stars; one submission).

Conditions:
Danon disease. Also called: Glycogen Storage Disease Type IIb; ANTOPOL DISEASE; PSEUDOGLYCOGENOSIS II; GSD IIb; LYSOSOMAL GLYCOGEN STORAGE DISEASE WITHOUT ACID MALTASE DEFICIENCY. Identifiers: Orphanet 34587, MedGen C0878677, MONDO:0010281, OMIM 300257.

Submissions (2):

Labcorp Genetics (formerly Invitae), Labcorp
Classification: Pathogenic for Danon disease. Last evaluated: 2023-08-03. Review status: criteria provided, single submitter. Criteria: Invitae Variant Classification Sherloc (09022015). Collection method: clinical testing. Allele origin: germline.
Comment: For these reasons, this variant has been classified as Pathogenic. This variant disrupts the c.928G nucleotide in the LAMP2 gene. Other variant(s) that disrupt this nucleotide have been determined to be pathogenic (PMID: 15673802, 16217705, 19373884, 29753918). This suggests that this nucleotide is clinically significant, and that variants that disrupt this position are likely to be disease-causing. Variants that disrupt the consensus splice site are a relatively common cause of aberrant splicing (PMID: 17576681, 9536098). Studies have shown that this missense change results in skipping of exon 7 and introduces a premature termination codon (PMID: 33226119). The resulting mRNA is expected to undergo nonsense-mediated decay. This sequence change replaces valine, which is neutral and non-polar, with phenylalanine, which is neutral and non-polar, at codon 310 of the LAMP2 protein (p.Val310Phe). RNA analysis indicates that this missense change induces altered splicing and may result in an absent or disrupted protein product. This variant is not present in population databases (gnomAD no frequency). This missense change has been observed in individual(s) with Danon disease (PMID: 33226119). In at least one individual the variant was observed to be de novo. ClinVar contains an entry for this variant (Variation ID: 835011). An algorithm developed to predict the effect of missense changes on protein structure and function (PolyPhen-2) suggests that this variant is likely to be disruptive.

Dr. Peter K. Rogan Lab, Western University
No classification provided (evidence only). Condition: Malignant tumor of urinary bladder. Review status: no classification provided. Collection method: in vitro. Allele origin: not applicable. Functional consequence: retained intron. Not counted in ClinVar's aggregate classification.

Literature cited by the submitters: PubMed 15673802 (cited by Labcorp Genetics (formerly Invitae), Labcorp); PubMed 16217705 (cited by Labcorp Genetics (formerly Invitae), Labcorp); PubMed 19373884 (cited by Labcorp Genetics (formerly Invitae), Labcorp); PubMed 29753918 (cited by Labcorp Genetics (formerly Invitae), Labcorp); PubMed 17576681 (cited by Labcorp Genetics (formerly Invitae), Labcorp); PubMed 9536098 (cited by Labcorp Genetics (formerly Invitae), Labcorp); PubMed 33226119 (cited by Labcorp Genetics (formerly Invitae), Labcorp).